The following is an entry in ClinVar:

ClinVar aggregate classification (germline): Likely benign (0 of 4 stars; one submission).

Conditions:
MARCHF10-related disorder. Also called: MARCHF10-related condition.

Allele frequency attached by ClinVar (database versions not stated): 1000 Genomes Project 0.00020; 1000 Genomes Project 30x 0.00031; gnomAD 0.00053; ExAC 0.00060; TOPMed 0.00061; gnomAD exomes 0.00094; ESP Exome Variant Server 0.00131.
gnomAD v4.1: 1,445 of 1,614,140 alleles (0.09%); highest among the groups gnomAD compares: Non-Finnish European, 0.12%; 1 homozygote.

Submission:

PreventionGenetics, part of Exact Sciences
Classification: Likely benign for MARCHF10-related condition. Last evaluated: 2019-06-05. Review status: no assertion criteria provided. Collection method: clinical testing. Allele origin: germline.
Comment: This variant is classified as likely benign based on ACMG/AMP sequence variant interpretation guidelines (Richards et al. 2015 PMID: 25741868, with internal and published modifications).

NM_152598.4(MARCHF10):c.1299C>T (p.Thr433=)

Genes: MARCHF10 (membrane associated ring-CH-type finger 10; minus strand), MARCHF10-AS1 (MARCHF10 antisense RNA 1; plus strand). Cytogenetic location: 17q23.2.
Variant type: single nucleotide variant.
Coding change: c.1299C>T on transcript NM_152598.4 (MANE Select); coding-DNA position 1299, C replaced by T.
Protein change: p.Thr433=; no amino-acid change (threonine 433 retained).
Molecular consequence: synonymous variant. On other transcripts: non-coding transcript variant (1).
Genome position (GRCh38, 1-based): chr17:62,736,569, G>A on the plus strand (C>T on the coding strand, the complement: MARCHF10 is on the minus strand). VCF-style: chr17-62736569-G-A. GRCh37 (hg19) VCF-style: chr17-60813930-G-A.
Other names: c.1299C>T, p.Thr433= (NM_001100875.3); c.1413C>T, p.Thr471= (NM_001288779.2); c.1296C>T, p.Thr432= (NM_001288780.2).
Identifiers: ClinVar variation 3044152 (VCV003044152.2), dbSNP rs147951735, ClinGen allele CA8696816.